The following is an entry in ClinVar:

NM_032447.5(FBN3):c.2590G>C (p.Gly864Arg)

Gene: FBN3 (fibrillin 3; minus strand). Cytogenetic location: 19p13.2.
Variant type: single nucleotide variant.
Coding change: c.2590G>C on transcript NM_032447.5 (MANE Select); coding-DNA position 2590, G replaced by C.
Protein change: p.Gly864Arg; replaces glycine 864 with arginine.
Molecular consequence: missense variant.
Genome position (GRCh38, 1-based): chr19:8,126,312, C>G on the plus strand (G>C on the coding strand, the complement: FBN3 is on the minus strand). VCF-style: chr19-8126312-C-G. GRCh37 (hg19) VCF-style: chr19-8191196-C-G.
Other names: c.2590G>C, p.Gly864Arg (NM_001321431.2); short protein forms G864R.
Identifiers: ClinVar variation 2791681 (VCV002791681.3), dbSNP rs1349126132, ClinGen allele CA403697148.

ClinVar aggregate classification (germline): Uncertain significance (1 of 4 stars; one submission).

Allele frequency attached by ClinVar (database versions not stated): gnomAD exomes 0.00001.
gnomAD v4.1: 3 of 1,589,044 alleles (0.00019%); highest among the groups gnomAD compares: Admixed American, 0.0056%; no homozygotes.

Submission:

Labcorp Genetics (formerly Invitae), Labcorp
Classification: Uncertain significance. Last evaluated: 2023-01-16. Review status: criteria provided, single submitter. Criteria: Invitae Variant Classification Sherloc (09022015). Collection method: clinical testing. Allele origin: germline.
Comment: In summary, the available evidence is currently insufficient to determine the role of this variant in disease. Therefore, it has been classified as a Variant of Uncertain Significance. Advanced modeling of protein sequence and biophysical properties (such as structural, functional, and spatial information, amino acid conservation, physicochemical variation, residue mobility, and thermodynamic stability) performed at Invitae indicates that this missense variant is expected to disrupt FBN3 protein function. This variant has not been reported in the literature in individuals affected with FBN3-related conditions. This variant is present in population databases (no rsID available, gnomAD 0.004%). This sequence change replaces glycine, which is neutral and non-polar, with arginine, which is basic and polar, at codon 864 of the FBN3 protein (p.Gly864Arg).